The following is an entry in ClinVar:

NM_000540.3(RYR1):c.897G>C (p.Val299=)

Gene: RYR1 (ryanodine receptor 1; plus strand). Cytogenetic location: 19q13.2.
Variant type: single nucleotide variant.
Coding change: c.897G>C on transcript NM_000540.3 (MANE Select); coding-DNA position 897, G replaced by C.
Protein change: p.Val299=; no amino-acid change (valine 299 retained).
Molecular consequence: synonymous variant.
Genome position (GRCh38, 1-based): chr19:38,448,451, G>C. VCF-style: chr19-38448451-G-C. GRCh37 (hg19) VCF-style: chr19-38939091-G-C.
Other names: p.Val299=; c.897G>C, p.Val299= (NM_001042723.2).
Identifiers: ClinVar variation 159862 (VCV000159862.26), dbSNP rs76854339, ClinGen allele CA024958.

ClinVar aggregate classification (germline): Benign/Likely benign. Review status: criteria provided, multiple submitters, no conflicts (2 of 4 stars). 11 submissions from 10 submitters: Benign (8); Likely benign (3). Last evaluated 2026-01-28.

Conditions:
King Denborough syndrome (KDS). Identifiers: MedGen C1840365, MONDO:0020485, OMIM 619542.
Malignant hyperthermia, susceptibility to, 1 (MHS1). Also called: Anesthesia related hyperthermia; Malignant hyperpyrexia; Fulminating hyperpyrexia; Pharmacogenic myopathy; RYR1-Related Malignant Hyperthermia Susceptibility; Malignant hyperthermia suceptibility 1. Identifiers: Orphanet 423, MedGen C2930980, MONDO:0007783, OMIM 145600.
Central core myopathy (CMYO1A). Also called: Central core disease; Myopathy, central fibrillar; CONGENITAL MYOPATHY 1A, AUTOSOMAL DOMINANT, WITH SUSCEPTIBILITY TO MALIGNANT HYPERTHERMIA. Identifiers: Orphanet 597, MedGen C5830701, MONDO:0007294, OMIM 117000.
Congenital multicore myopathy with external ophthalmoplegia (CMYO1B). Also called: Congenital myopathy 1B, autosomal recessive; Minicore myopathy; MULTICORE MYOPATHY; Minicore myopathy with external ophthalmoplegia; MULTIMINICORE DISEASE WITH EXTERNAL OPHTHALMOPLEGIA. Identifiers: Orphanet 598, Orphanet 98905, MedGen C1850674, MONDO:0009712, OMIM 255320, HP:0003789.
Congenital myopathy with fiber type disproportion. Also called: Congenital fiber-type disproportion myopathy; Congenital fiber-type disproportion. Identifiers: Orphanet 2020, MedGen C0546264, MONDO:0009711. Inheritance: all.
RYR1-related disorder. Also called: RYR1-related disorders; RYR1-related condition. Identifiers: MedGen CN239331.

Allele frequency attached by ClinVar (database versions not stated): TOPMed 0.00769; 1000 Genomes Project 0.00799; 1000 Genomes Project 30x 0.00937; ESP Exome Variant Server 0.00938.
gnomAD v4.1: 2,065 of 1,613,854 alleles (0.13%); highest among the groups gnomAD compares: African/African-American, 2.5%; 26 homozygotes.

Submissions (11):

Labcorp Genetics (formerly Invitae), Labcorp
Classification: Benign for RYR1-related disorder. Last evaluated: 2026-01-28. Review status: criteria provided, single submitter. Criteria: Invitae Variant Classification Sherloc (09022015). Collection method: clinical testing. Allele origin: germline.

Blueprint Genetics
Classification: Likely benign. Last evaluated: 2024-11-14. Review status: criteria provided, single submitter. Criteria: ACMG Guidelines, 2015. Collection method: clinical testing. Allele origin: germline.

Color Diagnostics, LLC DBA Color Health
Classification: Benign for Malignant hyperthermia, susceptibility to, 1. Last evaluated: 2022-10-03. Review status: criteria provided, single submitter. Criteria: ACMG Guidelines, 2015. Collection method: clinical testing. Allele origin: germline.

Fulgent Genetics
Classification: Likely benign for Central core myopathy; Malignant hyperthermia, susceptibility to, 1; Congenital myopathy 4A, autosomal dominant; Congenital multicore myopathy with external ophthalmoplegia; King Denborough syndrome. Last evaluated: 2021-08-23. Review status: criteria provided, single submitter. Criteria: ACMG Guidelines, 2015. Collection method: clinical testing. Allele origin: unknown.

Mayo Clinic Laboratories, Mayo Clinic
Classification: Benign. Last evaluated: 2019-03-07. Review status: criteria provided, single submitter. Criteria: ACMG Guidelines, 2015. Collection method: clinical testing. Allele origin: germline. Observed: 4 variant alleles.

PreventionGenetics, part of Exact Sciences
Classification: Benign. Last evaluated: 2018-03-13. Review status: criteria provided, single submitter. Criteria: ACMG Guidelines, 2015. Collection method: clinical testing. Allele origin: germline.

Illumina Laboratory Services, Illumina
Classification: Benign for Congenital multicore myopathy with external ophthalmoplegia. Last evaluated: 2018-01-13. Review status: criteria provided, single submitter. Criteria: ICSL Variant Classification Criteria 13 December 2019. Collection method: clinical testing. Allele origin: germline.
Comment: This variant was observed in the ICSL laboratory as part of a predisposition screen in an ostensibly healthy population. It had not been previously curated by ICSL or reported in the Human Gene Mutation Database (HGMD: prior to June 1st, 2018), and was therefore a candidate for classification through an automated scoring system. Utilizing variant allele frequency, disease prevalence and penetrance estimates, and inheritance mode, an automated score was calculated to assess if this variant is too frequent to cause the disease. Based on the score and internal cut-off values, a variant classified as benign is not then subjected to further curation. The score for this variant resulted in a classification of benign for this disease.

Illumina Laboratory Services, Illumina
Classification: Benign for Malignant hyperthermia, susceptibility to, 1. Last evaluated: 2018-01-13. Review status: criteria provided, single submitter. Criteria: ICSL Variant Classification Criteria 13 December 2019. Collection method: clinical testing. Allele origin: germline.
Comment: the same text as in the submission from Illumina Laboratory Services, Illumina above.

GeneDx
Classification: Benign. Last evaluated: 2016-09-19. Review status: criteria provided, single submitter. Criteria: GeneDx Variant Classification (06012015). Collection method: clinical testing. Allele origin: germline. Affected: yes.
Comment: This variant is considered likely benign or benign based on one or more of the following criteria: it is a conservative change, it occurs at a poorly conserved position in the protein, it is predicted to be benign by multiple in silico algorithms, and/or has population frequency not consistent with disease.

Genetic Services Laboratory, University of Chicago
Classification: Benign. Last evaluated: 2013-03-04. Review status: criteria provided, single submitter. Criteria: ACMG Guidelines, 2007. Collection method: clinical testing. Allele origin: germline. Inheritance: Autosomal unknown.

Breakthrough Genomics
Classification: Likely benign. Review status: criteria provided, single submitter. Criteria: ACMG Guidelines, 2015. Collection method: not provided. Allele origin: germline. Inheritance: Autosomal recessive inheritance. Affected: yes.